The following is an entry in ClinVar:

NM_000252.3(MTM1):c.867+2T>A

Gene: MTM1 (myotubularin 1; plus strand). Cytogenetic location: Xq28.
Variant type: single nucleotide variant.
Coding change: c.867+2T>A on transcript NM_000252.3 (MANE Select); the canonical splice donor site of the intron after coding-DNA position 867, T replaced by A.
Molecular consequence: splice donor variant.
Genome position (GRCh38, 1-based): chrX:150,645,873, T>A. VCF-style: chrX-150645873-T-A. GRCh37 (hg19) VCF-style: chrX-149814346-T-A.
Other names: c.867+2T>A (NM_001376908.1, NM_001376906.1); c.756+2T>A (NM_001376907.1).
Identifiers: ClinVar variation 2138755 (VCV002138755.4), dbSNP rs2522382258, ClinGen allele CA415256707.

ClinVar aggregate classification (germline): Pathogenic (1 of 4 stars; one submission).

Conditions:
Severe X-linked myotubular myopathy (CNMX). Also called: Myotubular myopathy, X-linked; MYOTUBULAR MYOPATHY 1; X-linked centronuclear myopathy. Identifiers: Orphanet 596, MedGen C0410203, MONDO:0010683, OMIM 310400.

Submission:

Labcorp Genetics (formerly Invitae), Labcorp
Classification: Pathogenic for Severe X-linked myotubular myopathy. Last evaluated: 2022-08-05. Review status: criteria provided, single submitter. Criteria: Invitae Variant Classification Sherloc (09022015). Collection method: clinical testing. Allele origin: germline.
Comment: This sequence change affects a donor splice site in intron 9 of the MTM1 gene. It is expected to disrupt RNA splicing. Variants that disrupt the donor or acceptor splice site typically lead to a loss of protein function (PMID: 16199547), and loss-of-function variants in MTM1 are known to be pathogenic (PMID: 9305655, 10063835). This variant is not present in population databases (gnomAD no frequency). For these reasons, this variant has been classified as Pathogenic. Algorithms developed to predict the effect of sequence changes on RNA splicing suggest that this variant may disrupt the consensus splice site. Disruption of this splice site has been observed in individuals with clinical features of myotubular myopathy (PMID: 9851444, 10790201).

Literature cited by the submitters: PubMed 16199547; PubMed 9305655; PubMed 10063835; PubMed 9851444; PubMed 10790201.